The following is an entry in ClinVar:

NM_005609.4(PYGM):c.681C>A (p.Tyr227Ter)

Gene: PYGM (glycogen phosphorylase, muscle associated; minus strand). Cytogenetic location: 11q13.1.
Variant type: single nucleotide variant.
Coding change: c.681C>A on transcript NM_005609.4 (MANE Select); coding-DNA position 681, C replaced by A.
Protein change: p.Tyr227Ter; replaces tyrosine 227 with a stop codon.
Molecular consequence: nonsense.
Genome position (GRCh38, 1-based): chr11:64,755,538, G>T on the plus strand (C>A on the coding strand, the complement: PYGM is on the minus strand). VCF-style: chr11-64755538-G-T. GRCh37 (hg19) VCF-style: chr11-64523010-G-T.
Other names: c.417C>A, p.Tyr139Ter (NM_001164716.1); short protein forms Y139*, Y227*.
Identifiers: ClinVar variation 1073391 (VCV001073391.7), dbSNP rs377503100, ClinGen allele CA381180522.

ClinVar aggregate classification (germline): Pathogenic (1 of 4 stars; one submission).

Conditions:
Glycogen storage disease, type V (GSD5). Also called: MYOPHOSPHORYLASE DEFICIENCY; PYGM DEFICIENCY; McArdle type glycogen storage disease; MCARDLE DISEASE; MUSCLE GLYCOGEN PHOSPHORYLASE DEFICIENCY. Identifiers: Orphanet 368, MedGen C0017924, MONDO:0009293, OMIM 232600.

Submission:

Labcorp Genetics (formerly Invitae), Labcorp
Classification: Pathogenic for Glycogen storage disease, type V. Last evaluated: 2020-08-05. Review status: criteria provided, single submitter. Criteria: Invitae Variant Classification Sherloc (09022015). Collection method: clinical testing. Allele origin: germline.
Comment: For these reasons, this variant has been classified as Pathogenic. Loss-of-function variants in PYGM are known to be pathogenic (PMID: 8316268, 16786513). This variant has not been reported in the literature in individuals with PYGM-related conditions. This variant is not present in population databases (ExAC no frequency). This sequence change creates a premature translational stop signal (p.Tyr227*) in the PYGM gene. It is expected to result in an absent or disrupted protein product.

Literature cited by the submitters: PubMed 8316268; PubMed 16786513.